The following is an entry in ClinVar:

ClinVar aggregate classification (germline): Uncertain significance. Review status: criteria provided, multiple submitters, no conflicts (2 of 4 stars). 2 submissions from 2 submitters: Uncertain significance (2). Last evaluated 2022-10-29.

Conditions:
Hereditary cancer-predisposing syndrome. Also called: Neoplastic Syndromes, Hereditary; Tumor predisposition; Hereditary Cancer Syndrome; Hereditary neoplastic syndrome. Identifiers: Orphanet 140162, MedGen C0027672, MeSH D009386, MONDO:0015356.
Microcephaly, normal intelligence and immunodeficiency (NBS). Also called: IMMUNODEFICIENCY, MICROCEPHALY, AND CHROMOSOMAL INSTABILITY; SEEMANOVA SYNDROME II; Nijmegen breakage syndrome; Microcephaly with normal intelligence immunodeficiency and lymphoreticular malignancies; Nonsyndromal microcephaly autosomal recessive with normal intelligence; Seemanova syndrome 2. Identifiers: Orphanet 647, MedGen C0398791, MONDO:0009623, OMIM 251260.

Submissions (2):

Ambry Genetics
Classification: Uncertain significance for Hereditary cancer-predisposing syndrome. Last evaluated: 2022-10-29. Review status: criteria provided, single submitter. Criteria: Ambry Variant Classification Scheme 2023. Collection method: clinical testing. Allele origin: germline.
Comment: The p.S118F variant (also known as c.353C>T), located in coding exon 4 of the NBN gene, results from a C to T substitution at nucleotide position 353. The serine at codon 118 is replaced by phenylalanine, an amino acid with highly dissimilar properties. This amino acid position is conserved. In addition, this alteration is predicted to be deleterious by in silico analysis. Since supporting evidence is limited at this time, the clinical significance of this alteration remains unclear.

Labcorp Genetics (formerly Invitae), Labcorp
Classification: Uncertain significance for Microcephaly, normal intelligence and immunodeficiency. Last evaluated: 2022-08-03. Review status: criteria provided, single submitter. Criteria: Invitae Variant Classification Sherloc (09022015). Collection method: clinical testing. Allele origin: germline.
Comment: This variant is not present in population databases (gnomAD no frequency). In summary, the available evidence is currently insufficient to determine the role of this variant in disease. Therefore, it has been classified as a Variant of Uncertain Significance. Algorithms developed to predict the effect of sequence changes on RNA splicing suggest that this variant may disrupt the consensus splice site. Algorithms developed to predict the effect of missense changes on protein structure and function are either unavailable or do not agree on the potential impact of this missense change (SIFT: "Deleterious"; PolyPhen-2: "Probably Damaging"; Align-GVGD: "Class C15"). This variant has not been reported in the literature in individuals affected with NBN-related conditions. This sequence change replaces serine, which is neutral and polar, with phenylalanine, which is neutral and non-polar, at codon 118 of the NBN protein (p.Ser118Phe).

NM_002485.5(NBN):c.353C>T (p.Ser118Phe)

Gene: NBN (nibrin; minus strand). Cytogenetic location: 8q21.3.
Variant type: single nucleotide variant.
Coding change: c.353C>T on transcript NM_002485.5 (MANE Select); coding-DNA position 353, C replaced by T.
Protein change: p.Ser118Phe; replaces serine 118 with phenylalanine.
Molecular consequence: missense variant.
Genome position (GRCh38, 1-based): chr8:89,980,861, G>A on the plus strand (C>T on the coding strand, the complement: NBN is on the minus strand). VCF-style: chr8-89980861-G-A. GRCh37 (hg19) VCF-style: chr8-90993089-G-A.
Other names: c.107C>T, p.Ser36Phe (NM_001024688.3); short protein forms S118F, S36F.
Identifiers: ClinVar variation 1732447 (VCV001732447.7), dbSNP rs2488356966, ClinGen allele CA371662101.